The following is an entry in ClinVar:

ClinVar aggregate classification (germline): Likely pathogenic (1 of 4 stars; one submission).

Conditions:
Inborn genetic diseases. Identifiers: MedGen C0950123, MeSH D030342.

Submission:

Ambry Genetics
Classification: Likely pathogenic for Inborn genetic diseases. Last evaluated: 2025-12-16. Review status: criteria provided, single submitter. Criteria: Ambry Variant Classification Scheme 2023. Collection method: clinical testing. Allele origin: germline.
Comment: The c.1930G>C (p.A644P) alteration is located in exon 12 (coding exon 10) of the SATB2 gene. This alteration results from a G to C substitution at nucleotide position 1930, causing the alanine (A) at amino acid position 644 to be replaced by a proline (P). This variant was not reported in population-based cohorts in the Genome Aggregation Database (gnomAD). This amino acid position is highly conserved in available vertebrate species. This missense alteration is located in a region that has a low rate of benign missense variation (Lek, 2016; Firth, 2009). This alteration is predicted to be deleterious by in silico analysis. Based on the available evidence, this alteration is classified as likely pathogenic.

NM_001172509.2(SATB2):c.1930G>C (p.Ala644Pro)

Genes: SATB2 (SATB homeobox 2; minus strand), LOC126806462 (MED14-independent group 3 enhancer GRCh37_chr2:200136608-200137807; plus strand). Cytogenetic location: 2q33.1.
Variant type: single nucleotide variant.
Coding change: c.1930G>C on transcript NM_001172509.2 (MANE Select); coding-DNA position 1930, G replaced by C.
Protein change: p.Ala644Pro; replaces alanine 644 with proline.
Molecular consequence: missense variant.
Genome position (GRCh38, 1-based): chr2:199,272,483, C>G on the plus strand (G>C on the coding strand, the complement: SATB2 is on the minus strand). VCF-style: chr2-199272483-C-G. GRCh37 (hg19) VCF-style: chr2-200137206-C-G.
Other names: c.1930G>C, p.Ala644Pro (NM_001172517.1, NM_015265.4); short protein forms A644P.
Identifiers: ClinVar variation 4833035 (VCV004833035.1).
Genomic context (GRCh38, chr2:199,272,483, plus strand): 5'-GGAAGAACTTGATGATGGTGTGTTTGGGGAGATCCAGCTGAGCCGAAAGAGTGTGGATGG[C>G]TTCCTGGTCTGGGTACAGGCCTACATCATGAATAAAGCTTTGGAGGATCCCCAGGGCTTC-3'
Protein context (NP_001165980.1, residues 634-654): HDVGLYPDQE[Ala644Pro]IHTLSAQLDL